The following is an entry in ClinVar:

ClinVar aggregate classification (germline): Pathogenic. Review status: criteria provided, multiple submitters, no conflicts (2 of 4 stars). 6 submissions from 6 submitters: Pathogenic (6). Last evaluated 2025-12-17.

Conditions:
Hermansky-Pudlak syndrome (HPS). Also called: ALBINISM WITH HEMORRHAGIC DIATHESIS AND PIGMENTED RETICULOENDOTHELIAL CELLS. Identifiers: Orphanet 79430, MedGen C0079504, MONDO:0019312.
Hermansky-Pudlak syndrome 3 (HPS3). Identifiers: Orphanet 231512, Orphanet 79430, MedGen C3888001, MONDO:0013555, OMIM 614072.

Allele frequency attached by ClinVar (database versions not stated): gnomAD 0.00001 and 0.00002; gnomAD exomes 0.00001; TOPMed 0.00001; ExAC 0.00002; ESP Exome Variant Server 0.00015.
gnomAD v4.1: 16 of 1,613,350 alleles (0.00099%); highest among the groups gnomAD compares: East Asian, 0.0022%; no homozygotes.

Submissions (6):

Labcorp Genetics (formerly Invitae), Labcorp
Classification: Pathogenic. Last evaluated: 2025-12-17. Review status: criteria provided, single submitter. Criteria: Invitae Variant Classification Sherloc (09022015). Collection method: clinical testing. Allele origin: germline.
Comment: This sequence change creates a premature translational stop signal (p.Arg822*) in the HPS3 gene. It is expected to result in an absent or disrupted protein product. Loss-of-function variants in HPS3 are known to be pathogenic (PMID: 11590544). This variant is present in population databases (rs369855073, gnomAD 0.005%). This premature translational stop signal has been observed in individual(s) with Hermansky-Pudlak syndrome (PMID: 30990103). ClinVar contains an entry for this variant (Variation ID: 930923). For these reasons, this variant has been classified as Pathogenic.

Natera, Inc.
Classification: Pathogenic for Hermansky-Pudlak syndrome. Last evaluated: 2024-11-06. Review status: criteria provided, single submitter. Criteria: Natera Variant Classification Schema (03/2026). Collection method: clinical testing. Allele origin: germline.
Comment: The c.2464C>T variant in HPS3 is a nonsense variant predicted to introduce a stop codon at amino acid 822. This variant is expected to result in nonsense mediated decay, truncation, or a dysfunctional protein product. This variant is rare in the general population with a frequency below the threshold expected for the associated phenotype(s). This variant has been observed in one or more individuals affected with the associated recessive disease, as either homozygous or compound heterozygous with a second variant (PMID: 31898847). Given the available evidence, this variant is classified as Pathogenic.

Baylor Genetics
Classification: Pathogenic for Hermansky-Pudlak syndrome 3. Last evaluated: 2024-02-23. Review status: criteria provided, single submitter. Criteria: ACMG Guidelines, 2015. Collection method: clinical testing. Allele origin: unknown.

Fulgent Genetics
Classification: Pathogenic for Hermansky-Pudlak syndrome 3. Last evaluated: 2021-11-03. Review status: criteria provided, single submitter. Criteria: ACMG Guidelines, 2015. Collection method: clinical testing. Allele origin: unknown.

Centre for Mendelian Genomics, University Medical Centre Ljubljana
Classification: Pathogenic for Hermansky-Pudlak syndrome 3. Last evaluated: 2020-03-04. Review status: criteria provided, single submitter. Criteria: ACMG Guidelines, 2015. Collection method: clinical testing. Allele origin: unknown. Affected: yes.
Comment: This variant was classified as: Pathogenic. The following ACMG criteria were applied in classifying this variant: PVS1,PM2,PS1.

ISTH-SSC Genomics in Thrombosis and Hemostasis, KU Leuven, Center for Molecular and Vascular Biology
Classification: Pathogenic for Hermansky-Pudlak syndrome 3. Review status: criteria provided, single submitter. Criteria: ACMG Guidelines, 2015. Collection method: clinical testing. Allele origin: germline. Affected: yes. Observed: 1 heterozygote.
Comment: Submitted to GoldVariant by Jose María Bastida and José Rivera; Grupo Español de Alteraciones Plaquetarias Congénitas (GEAPC)

Literature cited by the submitters: PubMed 11590544 (cited by Labcorp Genetics (formerly Invitae), Labcorp); PubMed 30990103 (cited by Labcorp Genetics (formerly Invitae), Labcorp); PubMed 31898847 (cited by Natera, Inc.).

NM_032383.5(HPS3):c.2464C>T (p.Arg822Ter)

Genes: CP (ceruloplasmin; minus strand), HPS3 (HPS3 biogenesis of lysosomal organelles complex 2 subunit 1; plus strand). Cytogenetic location: 3q24.
Variant type: single nucleotide variant.
Coding change: c.2464C>T on transcript NM_032383.5 (MANE Select); coding-DNA position 2464, C replaced by T.
Protein change: p.Arg822Ter; replaces arginine 822 with a stop codon.
Molecular consequence: nonsense. On other transcripts: non-coding transcript variant (1).
Genome position (GRCh38, 1-based): chr3:149,162,861, C>T. VCF-style: chr3-149162861-C-T. GRCh37 (hg19) VCF-style: chr3-148880648-C-T.
Other names: c.2464C>T (NM_032383.4); c.1969C>T, p.Arg657Ter (NM_001308258.2); short protein forms R822*, R657*.
Identifiers: ClinVar variation 930923 (VCV000930923.16), dbSNP rs369855073, ClinGen allele CA2660352.